The following is an entry in ClinVar:

NM_203447.4(DOCK8):c.3700+3A>G

Gene: DOCK8 (dedicator of cytokinesis 8; plus strand). Cytogenetic location: 9p24.3.
Variant type: single nucleotide variant.
Coding change: c.3700+3A>G on transcript NM_203447.4 (MANE Select); 3 bases into the intron after coding-DNA position 3700, A replaced by G.
Molecular consequence: intron variant.
Genome position (GRCh38, 1-based): chr9:414,954, A>G. VCF-style: chr9-414954-A-G. GRCh37 (hg19) VCF-style: chr9-414954-A-G.
Other names: c.3496+3A>G (NM_001193536.2); c.3400+3A>G (NM_001190458.2).
Identifiers: ClinVar variation 1487224 (VCV001487224.6), dbSNP rs1289108055, ClinGen allele CA864138831.

ClinVar aggregate classification (germline): Uncertain significance (1 of 4 stars; one submission).

Conditions:
Combined immunodeficiency due to DOCK8 deficiency (HIES2). Also called: HIES autosomal recessive; DOCK8 Deficiency; Hyper-IgE recurrent infection syndrome, autosomal recessive; HYPER-IgE SYNDROME 2, AUTOSOMAL RECESSIVE, WITH RECURRENT INFECTIONS; HYPER-IgE RECURRENT INFECTION SYNDROME 2, AUTOSOMAL RECESSIVE. Identifiers: Orphanet 217390, MedGen C4722305, MONDO:0009478, OMIM 243700.

Allele frequency attached by ClinVar (database versions not stated): gnomAD exomes below 0.00001; TOPMed 0.00001.
gnomAD v4.1: 1 of 1,613,110 alleles (0.000062%); highest among the groups gnomAD compares: Non-Finnish European, 0.000085%; no homozygotes.

Submission:

Labcorp Genetics (formerly Invitae), Labcorp
Classification: Uncertain significance for Combined immunodeficiency due to DOCK8 deficiency. Last evaluated: 2023-04-09. Review status: criteria provided, single submitter. Criteria: Invitae Variant Classification Sherloc (09022015). Collection method: clinical testing. Allele origin: germline.
Comment: In summary, the available evidence is currently insufficient to determine the role of this variant in disease. Therefore, it has been classified as a Variant of Uncertain Significance. Variants that disrupt the consensus splice site are a relatively common cause of aberrant splicing (PMID: 17576681, 9536098). Algorithms developed to predict the effect of sequence changes on RNA splicing suggest that this variant is not likely to affect RNA splicing. ClinVar contains an entry for this variant (Variation ID: 1487224). This variant has not been reported in the literature in individuals affected with DOCK8-related conditions. This variant is not present in population databases (gnomAD no frequency). This sequence change falls in intron 29 of the DOCK8 gene. It does not directly change the encoded amino acid sequence of the DOCK8 protein. It affects a nucleotide within the consensus splice site.

Literature cited by the submitters: PubMed 17576681; PubMed 9536098.